The following is an entry in ClinVar:

ClinVar aggregate classification (germline): Uncertain significance (1 of 4 stars; one submission).

gnomAD v4.1: 1 of 1,613,524 alleles (0.000062%); highest among the groups gnomAD compares: Admixed American, 0.0017%; no homozygotes.

Submission:

Ambry Genetics
Classification: Uncertain significance. Last evaluated: 2025-12-02. Review status: criteria provided, single submitter. Criteria: Ambry Variant Classification Scheme 2023. Collection method: clinical testing. Allele origin: germline.
Comment: The c.503T>A (p.V168E) alteration is located in exon 3 (coding exon 3) of the AREG gene. This alteration results from a T to A substitution at nucleotide position 503, causing the valine (V) at amino acid position 168 to be replaced by a glutamic acid (E). Based on data from gnomAD, the A allele has an overall frequency of <0.001% (0/215370) total alleles studied. The highest observed frequency was <0.001% (/) of alleles. Based on insufficient or conflicting evidence, the clinical significance of this alteration remains unclear.

NM_001657.4(AREG):c.503T>A (p.Val168Glu)

Gene: AREG (amphiregulin; plus strand). Cytogenetic location: 4q13.3.
Variant type: single nucleotide variant.
Coding change: c.503T>A on transcript NM_001657.4 (MANE Select); coding-DNA position 503, T replaced by A.
Protein change: p.Val168Glu; replaces valine 168 with glutamic acid.
Molecular consequence: missense variant.
Genome position (GRCh38, 1-based): chr4:74,449,239, T>A. VCF-style: chr4-74449239-T-A. GRCh37 (hg19) VCF-style: chr4-75314956-T-A.
Other names: short protein forms V168E.
Identifiers: ClinVar variation 4641988 (VCV004641988.1).